The following is an entry in ClinVar:

ClinVar aggregate classification (germline): Uncertain significance. Review status: criteria provided, multiple submitters, no conflicts (2 of 4 stars). 2 submissions from 2 submitters: Uncertain significance (2). Last evaluated 2025-11-10.

Conditions:
Inborn genetic diseases. Identifiers: MedGen C0950123, MeSH D030342.

Allele frequency attached by ClinVar (database versions not stated): gnomAD exomes below 0.00001; gnomAD 0.00001 and 0.00003; TOPMed 0.00001.
gnomAD v4.1: 11 of 1,614,010 alleles (0.00068%); highest among the groups gnomAD compares: Admixed American, 0.012%; no homozygotes.

Submissions (2):

Labcorp Genetics (formerly Invitae), Labcorp
Classification: Uncertain significance. Last evaluated: 2025-11-10. Review status: criteria provided, single submitter. Criteria: Invitae Variant Classification Sherloc (09022015). Collection method: clinical testing. Allele origin: germline.
Comment: This sequence change replaces valine, which is neutral and non-polar, with methionine, which is neutral and non-polar, at codon 1299 of the LAMB1 protein (p.Val1299Met). This variant is not present in population databases (gnomAD no frequency). This variant has not been reported in the literature in individuals affected with LAMB1-related conditions. ClinVar contains an entry for this variant (Variation ID: 1371334). An algorithm developed to predict the effect of missense changes on protein structure and function (PolyPhen-2) suggests that this variant is likely to be disruptive. In summary, the available evidence is currently insufficient to determine the role of this variant in disease. Therefore, it has been classified as a Variant of Uncertain Significance.

Ambry Genetics
Classification: Uncertain significance for Inborn genetic diseases. Last evaluated: 2025-04-03. Review status: criteria provided, single submitter. Criteria: Ambry Variant Classification Scheme 2023. Collection method: clinical testing. Allele origin: germline.

NM_002291.3(LAMB1):c.3895G>A (p.Val1299Met)

Gene: LAMB1 (laminin subunit beta 1; minus strand). Cytogenetic location: 7q31.1.
Variant type: single nucleotide variant.
Coding change: c.3895G>A on transcript NM_002291.3 (MANE Select); coding-DNA position 3895, G replaced by A.
Protein change: p.Val1299Met; replaces valine 1299 with methionine.
Molecular consequence: missense variant.
Genome position (GRCh38, 1-based): chr7:107,937,144, C>T on the plus strand (G>A on the coding strand, the complement: LAMB1 is on the minus strand). VCF-style: chr7-107937144-C-T. GRCh37 (hg19) VCF-style: chr7-107577589-C-T.
Other names: c.3895G>A (NM_002291.2); short protein forms V1299M.
Identifiers: ClinVar variation 1371334 (VCV001371334.7), dbSNP rs567605940, ClinGen allele CA164229816.